The following is an entry in ClinVar:

NM_031407.7(HUWE1):c.9308G>A (p.Arg3103Gln)

Gene: HUWE1 (HECT, UBA and WWE domain containing E3 ubiquitin protein ligase 1; minus strand). Cytogenetic location: Xp11.22.
Variant type: single nucleotide variant.
Coding change: c.9308G>A on transcript NM_031407.7 (MANE Select); coding-DNA position 9308, G replaced by A.
Protein change: p.Arg3103Gln; replaces arginine 3103 with glutamine.
Molecular consequence: missense variant.
Genome position (GRCh38, 1-based): chrX:53,550,978, C>T on the plus strand (G>A on the coding strand, the complement: HUWE1 is on the minus strand). VCF-style: chrX-53550978-C-T. GRCh37 (hg19) VCF-style: chrX-53577939-C-T.
Other names: c.9308G>A (NM_031407.4); short protein forms R3103Q.
Identifiers: ClinVar variation 3346766 (VCV003346766.3).

ClinVar aggregate classification (germline): Uncertain significance. Review status: criteria provided, multiple submitters, no conflicts (2 of 4 stars). 3 submissions from 3 submitters: Uncertain significance (2). 1 of the submissions does not count toward it. Last evaluated 2025-06-26.

Conditions:
HUWE1-related disorder. Also called: HUWE1-related condition.

gnomAD v4.1: 1 of 1,211,635 alleles (0.000083%); highest among the groups gnomAD compares: Non-Finnish European, 0.00011%; no homozygotes.

Submissions (3):

GeneDx
Classification: Uncertain significance. Last evaluated: 2025-06-26. Review status: criteria provided, single submitter. Criteria: GeneDx Variant Classification Process June 2021. Collection method: clinical testing. Allele origin: germline. Affected: yes.
Comment: Not observed at significant frequency in large population cohorts (gnomAD); In silico analysis supports that this missense variant has a deleterious effect on protein structure/function; Has not been previously published as pathogenic or benign to our knowledge

Blueprint Genetics
Classification: Uncertain significance. Last evaluated: 2023-07-20. Review status: criteria provided, single submitter. Criteria: ACMG Guidelines, 2015. Collection method: clinical testing. Allele origin: germline.

PreventionGenetics, part of Exact Sciences
Classification: Uncertain significance for HUWE1-related condition. Last evaluated: 2024-09-04. Review status: no assertion criteria provided. Collection method: clinical testing. Allele origin: germline. Not counted in ClinVar's aggregate classification.
Comment: The HUWE1 c.9308G>A variant is predicted to result in the amino acid substitution p.Arg3103Gln. To our knowledge, this variant has not been reported in the literature or in a large population database, indicating this variant is rare. At this time, the clinical significance of this variant is uncertain due to the absence of conclusive functional and genetic evidence.